The following is an entry in ClinVar:

NM_003924.4(PHOX2B):c.674G>A (p.Gly225Glu)

Gene: PHOX2B (paired like homeobox 2B; minus strand). Cytogenetic location: 4p13.
Variant type: single nucleotide variant.
Coding change: c.674G>A on transcript NM_003924.4 (MANE Select); coding-DNA position 674, G replaced by A.
Protein change: p.Gly225Glu; replaces glycine 225 with glutamic acid.
Molecular consequence: missense variant.
Genome position (GRCh38, 1-based): chr4:41,746,078, C>T on the plus strand (G>A on the coding strand, the complement: PHOX2B is on the minus strand). VCF-style: chr4-41746078-C-T. GRCh37 (hg19) VCF-style: chr4-41748095-C-T.
Other names: short protein forms G225E.
Identifiers: ClinVar variation 1755232 (VCV001755232.3), dbSNP rs2552096839, ClinGen allele CA356737434.
Genomic context (GRCh38, chr4:41,746,078, plus strand): 5'-GCCGCTGCTGCTGCGCCGCCCTTGCCGGGTTCGCCTCCCGGGCCCCCGGGCCCCGCCGCC[C>T]CCGGAGCTCCAGCCGGGCTGGGCCCGCCGCCGCCGCCTCCATTCGCCCCGCAGCTGGGGG-3'
Protein context (NP_003915.2, residues 215-235): GGGPSPAGAP[Gly225Glu]AAGPGGPGGE

ClinVar aggregate classification (germline): Uncertain significance (1 of 4 stars; one submission).

Conditions:
Hereditary cancer-predisposing syndrome. Also called: Neoplastic Syndromes, Hereditary; Tumor predisposition; Hereditary Cancer Syndrome; Hereditary neoplastic syndrome. Identifiers: Orphanet 140162, MedGen C0027672, MeSH D009386, MONDO:0015356.

Submission:

Ambry Genetics
Classification: Uncertain significance for Hereditary cancer-predisposing syndrome. Last evaluated: 2025-03-31. Review status: criteria provided, single submitter. Criteria: Ambry Variant Classification Scheme 2023. Collection method: clinical testing. Allele origin: germline.
Comment: The p.G225E variant (also known as c.674G>A), located in coding exon 3 of the PHOX2B gene, results from a G to A substitution at nucleotide position 674. The glycine at codon 225 is replaced by glutamic acid, an amino acid with similar properties. This amino acid position is not well conserved in available vertebrate species. In addition, the in silico prediction for this alteration is inconclusive. Based on the available evidence, the clinical significance of this variant remains unclear.